The following is an entry in ClinVar:

ClinVar aggregate classification (germline): Likely benign. Review status: criteria provided, multiple submitters, no conflicts (2 of 4 stars). 2 submissions from 2 submitters: Likely benign (2). Last evaluated 2025-06-18.

Conditions:
SLC38A8-related disorder. Also called: SLC38A8-related condition.

Allele frequency attached by ClinVar (database versions not stated): ExAC 0.00005; gnomAD 0.00005; TOPMed 0.00008; ESP Exome Variant Server 0.00015; 1000 Genomes Project 30x 0.00016; 1000 Genomes Project 0.00020.
gnomAD v4.1: 64 of 1,614,220 alleles (0.004%); highest among the groups gnomAD compares: Middle Eastern, 0.017%; no homozygotes.

Submissions (2):

PreventionGenetics, part of Exact Sciences
Classification: Likely benign for SLC38A8-related condition. Last evaluated: 2025-06-18. Review status: criteria provided, single submitter. Criteria: ACMG Guidelines, 2015. Collection method: clinical testing. Allele origin: germline.
Comment: This variant is classified as likely benign based on ACMG/AMP sequence variant interpretation guidelines (Richards et al. 2015 PMID: 25741868, with internal and published modifications).

Labcorp Genetics (formerly Invitae), Labcorp
Classification: Likely benign. Last evaluated: 2024-03-25. Review status: criteria provided, single submitter. Criteria: Invitae Variant Classification Sherloc (09022015). Collection method: clinical testing. Allele origin: germline.

NM_001080442.3(SLC38A8):c.357C>T (p.Phe119=)

Gene: SLC38A8 (solute carrier family 38 member 8; minus strand). Cytogenetic location: 16q23.3.
Variant type: single nucleotide variant.
Coding change: c.357C>T on transcript NM_001080442.3 (MANE Select); coding-DNA position 357, C replaced by T.
Protein change: p.Phe119=; no amino-acid change (phenylalanine 119 retained).
Molecular consequence: synonymous variant.
Genome position (GRCh38, 1-based): chr16:84,036,733, G>A on the plus strand (C>T on the coding strand, the complement: SLC38A8 is on the minus strand). VCF-style: chr16-84036733-G-A. GRCh37 (hg19) VCF-style: chr16-84070338-G-A.
Other names: c.357C>T (NM_001080442.2).
Identifiers: ClinVar variation 2907673 (VCV002907673.4), dbSNP rs138732860, ClinGen allele CA8200368.
Genomic context (GRCh38, chr16:84,036,733, plus strand): 5'-GCCACCCCGAGTCCCATGAAGGTACTTACGCTTCTCCAGCTGGTCCCCGATCACCCTGAG[G>A]AAGGCCACGGAGATCATGAGCAGGTTGAGGAGGAAGCAGGCCTCACACAGCTTCCCAATG-3'
Protein context (NP_001073911.1, residues 109-129): LLNLLMISVA[Phe119=]LRVIGDQLEK